The following is an entry in ClinVar:

NM_002742.3(PRKD1):c.1993G>A (p.Asp665Asn)

Gene: PRKD1 (protein kinase D1; minus strand). Cytogenetic location: 14q12.
Variant type: single nucleotide variant.
Coding change: c.1993G>A on transcript NM_002742.3 (MANE Select); coding-DNA position 1993, G replaced by A.
Protein change: p.Asp665Asn; replaces aspartic acid 665 with asparagine.
Molecular consequence: missense variant.
Genome position (GRCh38, 1-based): chr14:29,599,730, C>T on the plus strand (G>A on the coding strand, the complement: PRKD1 is on the minus strand). VCF-style: chr14-29599730-C-T. GRCh37 (hg19) VCF-style: chr14-30068936-C-T.
Other names: c.2017G>A, p.Asp673Asn (NM_001330069.2); c.1729G>A, p.Asp577Asn (NM_001348390.1); short protein forms D665N, D673N, D577N.
Identifiers: ClinVar variation 161599 (VCV000161599.3), dbSNP rs193921103, ClinGen allele CA174424.
Genomic context (GRCh38, chr14:29,599,730, plus strand): 5'-ACTTCGTTATGTGCTCTGGCAACCTGCCCTTTTCACTTGACAAGATCATTTCCAGCATGT[C>T]TCCATGGAGTTTTTCCATAACAACAAACACTCTTTCAGGCGTCTCAAACATACACTCCAA-3'
Protein context (NP_002733.2, residues 655-675): VFVVMEKLHG[Asp665Asn]MLEMILSSEK

ClinVar aggregate classification (germline): Uncertain significance. Review status: criteria provided, single submitter (1 of 4 stars). 2 submissions from 2 submitters: Uncertain significance (1). 1 of the submissions does not count toward it. Last evaluated 2021-09-29.

Conditions:
Prostate cancer. Also called: Malignant tumor of prostate. Identifiers: Orphanet 1331, MedGen C0376358, MONDO:0008315, HP:0012125.

Submissions (2):

Blueprint Genetics
Classification: Uncertain significance. Last evaluated: 2021-09-29. Review status: criteria provided, single submitter. Criteria: ACMG Guidelines, 2015. Collection method: clinical testing. Allele origin: germline.

Science for Life laboratory,  Karolinska Institutet
Classification: Uncertain significance for Malignant tumor of prostate. Review status: no assertion criteria provided. Collection method: not provided. Allele origin: somatic. Not counted in ClinVar's aggregate classification.
Comment: TumorID:SWE-91B
ClinVar note: Converted during submission from Unknown to Uncertain significance.